The following is an entry in ClinVar:

ClinVar aggregate classification (germline): Pathogenic (1 of 4 stars; one submission).

Conditions:
Recessive dystrophic epidermolysis bullosa (RDEB). Also called: DYSTROPHIC EPIDERMOLYSIS BULLOSA, AUTOSOMAL RECESSIVE; EPIDERMOLYSIS BULLOSA DYSTROPHICA, HALLOPEAU-SIEMENS TYPE; Hallopeau-Siemens Disease; severe generalized recessive dystrophic epidermolysis bullosa; EPIDERMOLYSIS BULLOSA DYSTROPHICA, GENERALIZED SEVERE, AUTOSOMAL RECESSIVE; Epidermolysis Bullosa Distrophica Autosomal Recessive (RDEB). Identifiers: Orphanet 79408, Orphanet 79409, MedGen C0079474, MONDO:0009179, OMIM 226600.

Submission:

Myriad Genetics, Inc.
Classification: Pathogenic for Recessive dystrophic epidermolysis bullosa. Last evaluated: 2025-06-24. Review status: criteria provided, single submitter. Criteria: Myriad Autosomal Dominant, Autosomal Recessive and X-Linked Classification Criteria (2023). Collection method: clinical testing. Allele origin: unknown.
Comment: NM_000094.3(COL7A1):c.99_105del7ins3(L34Kfs*69) is expected to be pathogenic in the context of dystrophic epidermolysis bullosa. This variant is predicted to lead to an abnormal or absent protein product due to the creation of a premature termination codon in COL7A1, a gene where loss-of-function variants are known to be pathogenic. Please note: this variant was assessed in the context of healthy population screening.

NM_000094.4(COL7A1):c.99_105delinsTAA (p.Leu34fs)

Gene: COL7A1 (collagen type VII alpha 1 chain; minus strand). Cytogenetic location: 3p21.31.
Variant type: Indel.
Coding change: c.99_105delinsTAA on transcript NM_000094.4 (MANE Select); coding-DNA positions 99 to 105, CCTTTAC replaced by TAA.
Protein change: p.Leu34fs; shifts the reading frame from leucine 34.
Molecular consequence: frameshift variant.
Genome position (GRCh38, 1-based): chr3:48,594,529-48,594,535, GTAAAGG replaced by TTA on the plus strand (CCTTTAC replaced by TAA on the coding strand, the reverse complement: COL7A1 is on the minus strand). VCF-style: chr3-48594529-GTAAAGG-TTA. GRCh37 (hg19) VCF-style: chr3-48631962-GTAAAGG-TTA.
Other names: short protein forms L34fs.
Identifiers: ClinVar variation 5014641 (VCV005014641.1).